The following is an entry in ClinVar:

NM_000388.4(CASR):c.1396C>T (p.His466Tyr)

Gene: CASR (calcium sensing receptor; plus strand). Cytogenetic location: 3q21.1.
Variant type: single nucleotide variant.
Coding change: c.1396C>T on transcript NM_000388.4 (MANE Select); coding-DNA position 1396, C replaced by T.
Protein change: p.His466Tyr; replaces histidine 466 with tyrosine.
Molecular consequence: missense variant.
Genome position (GRCh38, 1-based): chr3:122,275,830, C>T. VCF-style: chr3-122275830-C-T. GRCh37 (hg19) VCF-style: chr3-121994677-C-T.
Other names: c.1396C>T, p.His466Tyr (NM_001178065.2); short protein forms H466Y.
Identifiers: ClinVar variation 2451459 (VCV002451459.4), dbSNP rs756954901, ClinGen allele CA2569652.

ClinVar aggregate classification (germline): Uncertain significance. Review status: criteria provided, multiple submitters, no conflicts (2 of 4 stars). 2 submissions from 2 submitters: Uncertain significance (2). Last evaluated 2024-11-25.

Conditions:
Nephrolithiasis/nephrocalcinosis. Identifiers: MedGen CN580796.

Allele frequency attached by ClinVar (database versions not stated): ExAC 0.00001.

Submissions (2):

Women's Health and Genetics/Laboratory Corporation of America, LabCorp
Classification: Uncertain significance. Last evaluated: 2024-11-25. Review status: criteria provided, single submitter. Criteria: LabCorp Variant Classification Summary - May 2015. Collection method: clinical testing. Allele origin: germline.
Comment: Variant summary: CASR c.1396C>T (p.His466Tyr) results in a conservative amino acid change in the encoded protein sequence. Four of five in-silico tools predict a damaging effect of the variant on protein function. The variant allele was found at a frequency of 4e-06 in 251284 control chromosomes. The available data on variant occurrences in the general population are insufficient to allow any conclusion about variant significance. To our knowledge, no occurrence of c.1396C>T in individuals affected with Autosomal Dominant Hypocalcemia and no experimental evidence demonstrating its impact on protein function have been reported. ClinVar contains an entry for this variant (Variation ID: 2451459). Based on the evidence outlined above, the variant was classified as uncertain significance.

Ambry Genetics
Classification: Uncertain significance for Nephrolithiasis/nephrocalcinosis. Last evaluated: 2023-01-13. Review status: criteria provided, single submitter. Criteria: Ambry Variant Classification Scheme 2023. Collection method: clinical testing. Allele origin: germline.
Comment: The p.H466Y variant (also known as c.1396C>T), located in coding exon 4 of the CASR gene, results from a C to T substitution at nucleotide position 1396. The histidine at codon 466 is replaced by tyrosine, an amino acid with similar properties. This amino acid position is highly conserved in available vertebrate species. In addition, the in silico prediction for this alteration is inconclusive. Since supporting evidence is limited at this time, the clinical significance of this alteration remains unclear.